The following is an entry in ClinVar:

NM_017433.5(MYO3A):c.472T>C (p.Leu158=)

Gene: MYO3A (myosin IIIA; plus strand). Cytogenetic location: 10p12.1.
Variant type: single nucleotide variant.
Coding change: c.472T>C on transcript NM_017433.5 (MANE Select); coding-DNA position 472, T replaced by C.
Protein change: p.Leu158=; no amino-acid change (leucine 158 retained).
Molecular consequence: synonymous variant.
Genome position (GRCh38, 1-based): chr10:25,997,222, T>C. VCF-style: chr10-25997222-T-C. GRCh37 (hg19) VCF-style: chr10-26286151-T-C.
Other names: c.472T>C, p.Leu158= (NM_001368265.1).
Identifiers: ClinVar variation 505199 (VCV000505199.11), dbSNP rs1412624643, ClinGen allele CA468478731.

ClinVar aggregate classification (germline): Likely benign. Review status: criteria provided, multiple submitters, no conflicts (2 of 4 stars). 2 submissions from 2 submitters: Likely benign (2). Last evaluated 2024-10-14.

Allele frequency attached by ClinVar (database versions not stated): gnomAD 0.00003; gnomAD exomes 0.00001 and 0.00002; TOPMed 0.00003.
gnomAD v4.1: 17 of 1,613,468 alleles (0.0011%); highest among the groups gnomAD compares: Admixed American, 0.0083%; no homozygotes.

Submissions (2):

Labcorp Genetics (formerly Invitae), Labcorp
Classification: Likely benign. Last evaluated: 2024-10-14. Review status: criteria provided, single submitter. Criteria: Invitae Variant Classification Sherloc (09022015). Collection method: clinical testing. Allele origin: germline.

Laboratory for Molecular Medicine, Mass General Brigham Personalized Medicine
Classification: Likely benign. Last evaluated: 2016-06-23. Review status: criteria provided, single submitter. Criteria: LMM Criteria. Collection method: clinical testing. Allele origin: germline. Observed: 1 variant allele.
Comment: p.Leu158Leu in exon 6 of MYO3A: This variant is not expected to have clinical si gnificance because it does not alter an amino acid residue and is not located wi thin the splice consensus sequence.